The following is an entry in ClinVar:

ClinVar aggregate classification (germline): Likely benign (0 of 4 stars; one submission).

Allele frequency attached by ClinVar (database versions not stated): gnomAD 0.00003; TOPMed 0.00006 and 0.00003.

Submission:

Leiden Open Variation Database
Classification: Likely benign. Last evaluated: 2012-08-31. Review status: no assertion criteria provided. Collection method: curation. Allele origin: germline. Affected: yes.
Comment: Curator: Arleen D. Auerbach. Submitter to LOVD: Janine Bakker.

Literature cited by the submitters: PubMed 22911665.

NM_032444.4(SLX4):c.4637-267C>T

Gene: SLX4 (SLX4 structure-specific endonuclease subunit; minus strand). Cytogenetic location: 16p13.3.
Variant type: single nucleotide variant.
Coding change: c.4637-267C>T on transcript NM_032444.4 (MANE Select); 267 bases into the intron before coding-DNA position 4637, C replaced by T.
Molecular consequence: intron variant.
Genome position (GRCh38, 1-based): chr16:3,585,138, G>A on the plus strand (C>T on the coding strand, the complement: SLX4 is on the minus strand). VCF-style: chr16-3585138-G-A. GRCh37 (hg19) VCF-style: chr16-3635139-G-A.
Identifiers: ClinVar variation 929607 (VCV000929607.1), dbSNP rs867613294, ClinGen allele CA276953707.